The following is an entry in ClinVar:

NM_000059.4(BRCA2):c.317-2A>G

Gene: BRCA2 (BRCA2 DNA repair associated; plus strand). Cytogenetic location: 13q13.1.
Variant type: single nucleotide variant.
Coding change: c.317-2A>G on transcript NM_000059.4 (MANE Select); the canonical splice acceptor site of the intron before coding-DNA position 317, A replaced by G.
Molecular consequence: splice acceptor variant.
Genome position (GRCh38, 1-based): chr13:32,325,074, A>G. VCF-style: chr13-32325074-A-G. GRCh37 (hg19) VCF-style: chr13-32899211-A-G.
Other names: c.317-2A>G (NM_001406720.1, NM_001406719.1, NM_001406721.1); c.-53-2A>G (NM_001406722.1).
Identifiers: ClinVar variation 432106 (VCV000432106.3), dbSNP rs1477341630, ClinGen allele CA387756456.

ClinVar aggregate classification (germline): Pathogenic/Likely pathogenic. Review status: criteria provided, multiple submitters, no conflicts (2 of 4 stars). 2 submissions from 2 submitters: Pathogenic (1); Likely pathogenic (1). Last evaluated 2024-09-23.

Conditions:
Hereditary breast ovarian cancer syndrome. Also called: Hereditary breast and ovarian cancer syndrome (HBOC); Breast and ovarian cancer; BRCA1- and BRCA2-Associated Hereditary Breast and Ovarian Cancer; Hereditary breast and/or ovarian cancer syndrome; Hereditary breast and ovarian cancer; Hereditary breast and ovarian cancer syndrome. Identifiers: Orphanet 145, MedGen C0677776, MeSH D061325, MONDO:0003582. Disease mechanism: loss of function.

Allele frequency attached by ClinVar (database versions not stated): gnomAD exomes below 0.00001.

Submissions (2):

Labcorp Genetics (formerly Invitae), Labcorp
Classification: Pathogenic for Hereditary breast ovarian cancer syndrome. Last evaluated: 2024-09-23. Review status: criteria provided, single submitter. Criteria: Invitae Variant Classification Sherloc (09022015). Collection method: clinical testing. Allele origin: germline.
Comment: This sequence change affects an acceptor splice site in intron 3 of the BRCA2 gene. It is expected to disrupt RNA splicing. Variants that disrupt the donor or acceptor splice site typically lead to a loss of protein function (PMID: 16199547), and loss-of-function variants in BRCA2 are known to be pathogenic (PMID: 20104584). This variant is present in population databases (no rsID available, gnomAD 0.0009%). This variant has not been reported in the literature in individuals affected with BRCA2-related conditions. ClinVar contains an entry for this variant (Variation ID: 432106). Studies have shown that disruption of this splice site alters mRNA splicing and is expected to lead to the loss of protein expression (PMID: 30883759). For these reasons, this variant has been classified as Pathogenic.

GeneDx
Classification: Likely pathogenic. Last evaluated: 2016-03-03. Review status: criteria provided, single submitter. Criteria: GeneDx Variant Classification (06012015). Collection method: clinical testing. Allele origin: germline. Affected: yes.
Comment: The c.317-2A>G variant in the BRCA2 gene has not been published previously, to our knowledge. The c.317-2A>G variant destroys the canonical splice acceptor site in intron 3. It is predicted to cause abnormal gene splicing, either leading to an abnormal message that is subject to nonsense-mediated mRNA decay, or to an abnormal protein product if the message is used for protein translation. Loss of function variants, including splice site variants, are known to be pathogenic in this gene associated with hereditary breast and ovarian cancer syndrome (Stenson et al., 2014). Based on the ACMG recommendations, c.317-2A>G is interpreted as an expected pathogenic sequence change.

Literature cited by the submitters: PubMed 16199547 (cited by Labcorp Genetics (formerly Invitae), Labcorp); PubMed 20104584 (cited by Labcorp Genetics (formerly Invitae), Labcorp); PubMed 30883759 (cited by Labcorp Genetics (formerly Invitae), Labcorp).